The following is an entry in ClinVar:

ClinVar aggregate classification (germline): Uncertain significance (1 of 4 stars; one submission).

Conditions:
Epileptic encephalopathy. Identifiers: MedGen C0543888, HP:0200134.

gnomAD v4.1: 13 of 1,566,360 alleles (0.00083%); highest among the groups gnomAD compares: East Asian, 0.029%; no homozygotes.

Submission:

Labcorp Genetics (formerly Invitae), Labcorp
Classification: Uncertain significance for Epileptic encephalopathy. Last evaluated: 2024-03-18. Review status: criteria provided, single submitter. Criteria: Invitae Variant Classification Sherloc (09022015). Collection method: clinical testing. Allele origin: germline.
Comment: This sequence change replaces glutamine, which is neutral and polar, with arginine, which is basic and polar, at codon 1294 of the FASN protein (p.Gln1294Arg). This variant is present in population databases (rs771582481, gnomAD 0.05%). This variant has not been reported in the literature in individuals affected with FASN-related conditions. Algorithms developed to predict the effect of missense changes on protein structure and function output the following: SIFT: "Not Available"; PolyPhen-2: "Benign"; Align-GVGD: "Not Available". The arginine amino acid residue is found in multiple mammalian species, which suggests that this missense change does not adversely affect protein function. In summary, the available evidence is currently insufficient to determine the role of this variant in disease. Therefore, it has been classified as a Variant of Uncertain Significance.

NM_004104.5(FASN):c.3881A>G (p.Gln1294Arg)

Gene: FASN (fatty acid synthase; minus strand). Cytogenetic location: 17q25.3.
Variant type: single nucleotide variant.
Coding change: c.3881A>G on transcript NM_004104.5 (MANE Select); coding-DNA position 3881, A replaced by G.
Protein change: p.Gln1294Arg; replaces glutamine 1294 with arginine.
Molecular consequence: missense variant.
Genome position (GRCh38, 1-based): chr17:82,085,723, T>C on the plus strand (A>G on the coding strand, the complement: FASN is on the minus strand). VCF-style: chr17-82085723-T-C. GRCh37 (hg19) VCF-style: chr17-80043599-T-C.
Other names: short protein forms Q1294R.
Identifiers: ClinVar variation 3672435 (VCV003672435.2).
Genomic context (GRCh38, chr17:82,085,723, plus strand): 5'-ACCAGGAGGTCGGCGCTGCCCAGGGCGCTGGGGGCAGGGTCTGCGGGATCCCACTGGCCC[T>C]GGGCAACGTCGTGCTGCTGCAGCTCGGCCTGGGCAGCCTCCAGGGCCTGGGGGTGGCGGT-3'
Protein context (NP_004095.4, residues 1284-1304): QAELQQHDVA[Gln1294Arg]GQWDPADPAP